The following is an entry in ClinVar:

NM_001367479.1(DNAH14):c.11401T>C (p.Cys3801Arg)

Gene: DNAH14 (dynein axonemal heavy chain 14; plus strand). Cytogenetic location: 1q42.12.
Variant type: single nucleotide variant.
Coding change: c.11401T>C on transcript NM_001367479.1 (MANE Select); coding-DNA position 11401, T replaced by C.
Protein change: p.Cys3801Arg; replaces cysteine 3801 with arginine.
Molecular consequence: missense variant.
Genome position (GRCh38, 1-based): chr1:225,351,751, T>C. VCF-style: chr1-225351751-T-C. GRCh37 (hg19) VCF-style: chr1-225539453-T-C.
Other names: NM_001373.1:c.11122T>C; short protein forms C3801R.
Identifiers: ClinVar variation 3367535 (VCV003367535.1).

ClinVar aggregate classification (germline): Uncertain significance (1 of 4 stars; one submission).

gnomAD v4.1: 1 of 1,551,400 alleles (0.000064%); highest among the groups gnomAD compares: Admixed American, 0.002%; no homozygotes.

Submission:

GeneDx
Classification: Uncertain significance. Last evaluated: 2024-01-04. Review status: criteria provided, single submitter. Criteria: GeneDx Variant Classification Process June 2021. Collection method: clinical testing. Allele origin: germline. Affected: yes.
Comment: Not observed at significant frequency in large population cohorts (gnomAD); In silico analysis supports that this missense variant has a deleterious effect on protein structure/function; Has not been previously published as pathogenic or benign to our knowledge